The following is an entry in ClinVar:

ClinVar aggregate classification (germline): Uncertain significance (1 of 4 stars; one submission).

Conditions:
Inborn genetic diseases. Identifiers: MedGen C0950123, MeSH D030342.

Submission:

Ambry Genetics
Classification: Uncertain significance for Inborn genetic diseases. Last evaluated: 2025-03-25. Review status: criteria provided, single submitter. Criteria: Ambry Variant Classification Scheme 2023. Collection method: clinical testing. Allele origin: germline.
Comment: The p.G635R variant (also known as c.1903G>C), located in coding exon 13 of the ERCC6L2 gene, results from a G to C substitution at nucleotide position 1903. The glycine at codon 635 is replaced by arginine, an amino acid with dissimilar properties. This amino acid position is conserved. In addition, this alteration is predicted to be deleterious by in silico analysis. Based on the available evidence, the clinical significance of this variant remains unclear.

NM_020207.7(ERCC6L2):c.1903G>C (p.Gly635Arg)

Gene: ERCC6L2 (ERCC excision repair 6 like 2; plus strand). Cytogenetic location: 9q22.32.
Variant type: single nucleotide variant.
Coding change: c.1903G>C on transcript NM_020207.7 (MANE Select); coding-DNA position 1903, G replaced by C.
Protein change: p.Gly635Arg; replaces glycine 635 with arginine.
Molecular consequence: missense variant. On other transcripts: non-coding transcript variant (1).
Genome position (GRCh38, 1-based): chr9:95,955,969, G>C. VCF-style: chr9-95955969-G-C. GRCh37 (hg19) VCF-style: chr9-98718251-G-C.
Other names: c.1903G>C, p.Gly635Arg (NM_001010895.4, NM_001375291.1, NM_001375292.1 and 2 more transcripts); short protein forms G635R.
Identifiers: ClinVar variation 4019263 (VCV004019263.1).